The following is an entry in ClinVar:

NM_000186.4(CFH):c.523C>T (p.Arg175Trp)

Gene: CFH (complement factor H; plus strand). Cytogenetic location: 1q31.3.
Variant type: single nucleotide variant.
Coding change: c.523C>T on transcript NM_000186.4 (MANE Select); coding-DNA position 523, C replaced by T.
Protein change: p.Arg175Trp; replaces arginine 175 with tryptophan.
Molecular consequence: missense variant.
Genome position (GRCh38, 1-based): chr1:196,677,571, C>T. VCF-style: chr1-196677571-C-T. GRCh37 (hg19) VCF-style: chr1-196646701-C-T.
Other names: c.523C>T, p.Arg175Trp (NM_001014975.3); short protein forms R175W.
Identifiers: ClinVar variation 4291294 (VCV004291294.1).

ClinVar aggregate classification (germline): Uncertain significance (1 of 4 stars; one submission).

Conditions:
Atypical hemolytic-uremic syndrome. Identifiers: Orphanet 2134, MedGen C2931788, MONDO:0016244.

gnomAD v4.1: 19 of 1,612,908 alleles (0.0012%); highest among the groups gnomAD compares: East Asian, 0.0045%; no homozygotes.

Submission:

Genomenon, Inc
Classification: Uncertain significance for Atypical hemolytic-uremic syndrome. Last evaluated: 2025-10-02. Review status: criteria provided, single submitter. Criteria: Genomenon Sequence Variant Interpretation Standards - Updated. Collection method: curation. Allele origin: germline. Affected: yes.
Comment: CFH p.Arg175Trp (c.523C>T) is a missense variant that changes the amino acid at residue 175 from Arginine to Tryptophan. This variant has been observed in at least one proband affected with atypical hemolytic-uremic syndrome (PMID:28939980). It is absent or not present at a significant frequency in gnomAD. In silico models agree that this variant is not damaging. In conclusion, we classify CFH p.Arg175Trp (c.523C>T) as a variant of uncertain significance.

Literature cited by the submitters: PubMed 28939980.